The following is an entry in ClinVar:

NM_177438.3(DICER1):c.3322A>C (p.Ile1108Leu)

Gene: DICER1 (dicer 1, ribonuclease III; minus strand). Cytogenetic location: 14q32.13.
Variant type: single nucleotide variant.
Coding change: c.3322A>C on transcript NM_177438.3 (MANE Select); coding-DNA position 3322, A replaced by C.
Protein change: p.Ile1108Leu; replaces isoleucine 1108 with leucine.
Molecular consequence: missense variant. On other transcripts: non-coding transcript variant (4).
Genome position (GRCh38, 1-based): chr14:95,104,074, T>G on the plus strand (A>C on the coding strand, the complement: DICER1 is on the minus strand). VCF-style: chr14-95104074-T-G. GRCh37 (hg19) VCF-style: chr14-95570411-T-G.
Other names: c.3322A>C, p.Ile1108Leu (NM_001195573.1, NM_001271282.3, NM_001291628.2 and 12 more transcripts); c.3040A>C, p.Ile1014Leu (NM_001395686.1); c.2917A>C, p.Ile973Leu (NM_001395687.1, NM_001395688.1, NM_001395689.1 and 2 more transcripts); c.2755A>C, p.Ile919Leu (NM_001395691.1); c.1639A>C, p.Ile547Leu (NM_001395697.1); short protein forms I547L, I919L, I1014L, I973L, I1108L.
Identifiers: ClinVar variation 5035277 (VCV005035277.1).

ClinVar aggregate classification (germline): Uncertain significance (1 of 4 stars; one submission).

Conditions:
Hereditary cancer-predisposing syndrome. Also called: Hereditary Cancer Syndrome; Neoplastic Syndromes, Hereditary; Tumor predisposition; Hereditary neoplastic syndrome. Identifiers: Orphanet 140162, MedGen C0027672, MeSH D009386, MONDO:0015356.

Submission:

Ambry Genetics
Classification: Uncertain significance for Hereditary cancer-predisposing syndrome. Last evaluated: 2026-07-07. Review status: criteria provided, single submitter. Criteria: Ambry Variant Classification Scheme 2023. Collection method: clinical testing. Allele origin: germline.
Comment: The p.I1108L variant (also known as c.3322A>C), located in coding exon 20 of the DICER1 gene, results from an A to C substitution at nucleotide position 3322. The isoleucine at codon 1108 is replaced by leucine, an amino acid with highly similar properties. This amino acid position is conserved. In addition, this alteration is predicted to be tolerated by in silico analysis. Based on the available evidence, the clinical significance of this variant remains unclear.